The following is an entry in ClinVar:

ClinVar aggregate classification (germline): Uncertain significance (1 of 4 stars; one submission).

gnomAD v4.1: 10 of 1,614,002 alleles (0.00062%); highest among the groups gnomAD compares: East Asian, 0.022%; no homozygotes.

Submission:

Labcorp Genetics (formerly Invitae), Labcorp
Classification: Uncertain significance. Last evaluated: 2024-06-12. Review status: criteria provided, single submitter. Criteria: Invitae Variant Classification Sherloc (09022015). Collection method: clinical testing. Allele origin: germline.
Comment: This sequence change creates a premature translational stop signal (p.Gln605*) in the PCK2 gene. While this is not anticipated to result in nonsense mediated decay, it is expected to disrupt the last 36 amino acid(s) of the PCK2 protein. This variant is present in population databases (no rsID available, gnomAD 0.04%). This variant has not been reported in the literature in individuals affected with PCK2-related conditions. Experimental studies and prediction algorithms are not available or were not evaluated, and the functional significance of this variant is currently unknown. In summary, the available evidence is currently insufficient to determine the role of this variant in disease. Therefore, it has been classified as a Variant of Uncertain Significance.

NM_004563.4(PCK2):c.1813C>T (p.Gln605Ter)

Genes: PCK2 (phosphoenolpyruvate carboxykinase 2, mitochondrial; plus strand), NRL (neural retina leucine zipper; minus strand). Cytogenetic location: 14q12.
Variant type: single nucleotide variant.
Coding change: c.1813C>T on transcript NM_004563.4 (MANE Select); coding-DNA position 1813, C replaced by T.
Protein change: p.Gln605Ter; replaces glutamine 605 with a stop codon.
Molecular consequence: nonsense. On other transcripts: intron variant (3).
Genome position (GRCh38, 1-based): chr14:24,103,854, C>T. VCF-style: chr14-24103854-C-T. GRCh37 (hg19) VCF-style: chr14-24573063-C-T.
Other names: c.-28+10868G>A (NM_001354770.2, NM_001354768.3); c.-254+10868G>A (NM_006177.5); c.1411C>T, p.Gln471Ter (NM_001291556.2, NM_001308054.2); short protein forms Q605*, Q471*.
Identifiers: ClinVar variation 3701559 (VCV003701559.2).